The following is an entry in ClinVar:

NM_138927.4(SON):c.2166_2168dup (p.Thr723_His724insThr)

Gene: SON (SON DNA and RNA binding protein; plus strand). Cytogenetic location: 21q22.11.
Variant type: Duplication.
Coding change: c.2166_2168dup on transcript NM_138927.4 (MANE Select); coding-DNA positions 2166 to 2168, 3 bases duplicated (GAC; older notation c.2166_2168dupGAC).
Protein change: p.Thr723_His724insThr.
Molecular consequence: inframe insertion. On other transcripts: inframe indel (3), non-coding transcript variant (1), intron variant (1).
Genome position (GRCh38, 1-based): chr21:33,551,397-33,551,399, GAC duplicated. VCF-style (leftmost placement, unchanged base first): chr21-33551396-A-AGAC. GRCh37 (hg19) VCF-style: chr21-34923702-A-AGAC.
Other names: c.2166_2168dup, p.Thr723_His724insThr (NM_138926.1, NM_001291411.2, NM_001412133.1 and 2 more transcripts); c.244+5018_244+5020dup (NM_001291412.3).
Identifiers: ClinVar variation 2989322 (VCV002989322.3), dbSNP rs745433806, ClinGen allele CA10009043.

ClinVar aggregate classification (germline): Uncertain significance (1 of 4 stars; one submission).

Allele frequency attached by ClinVar (database versions not stated): ExAC 0.00002; gnomAD 0.00002; TOPMed 0.00002; gnomAD exomes 0.00005.

Submission:

Labcorp Genetics (formerly Invitae), Labcorp
Classification: Uncertain significance. Last evaluated: 2024-10-08. Review status: criteria provided, single submitter. Criteria: Invitae Variant Classification Sherloc (09022015). Collection method: clinical testing. Allele origin: germline.
Comment: This variant, c.2166_2168dup, results in the insertion of 1 amino acid(s) of the SON protein (p.Thr723dup), but otherwise preserves the integrity of the reading frame. This variant is present in population databases (rs745433806, gnomAD 0.007%). This variant has not been reported in the literature in individuals affected with SON-related conditions. In summary, the available evidence is currently insufficient to determine the role of this variant in disease. Therefore, it has been classified as a Variant of Uncertain Significance.